The following is an entry in ClinVar:

ClinVar aggregate classification (germline): Uncertain significance (1 of 4 stars; one submission).

gnomAD v4.1: 3 of 1,613,924 alleles (0.00019%); highest among the groups gnomAD compares: Non-Finnish European, 0.00025%; no homozygotes.

Submission:

Labcorp Genetics (formerly Invitae), Labcorp
Classification: Uncertain significance. Last evaluated: 2025-04-02. Review status: criteria provided, single submitter. Criteria: Invitae Variant Classification Sherloc (09022015). Collection method: clinical testing. Allele origin: germline.
Comment: This sequence change replaces proline, which is neutral and non-polar, with arginine, which is basic and polar, at codon 100 of the NFIA protein (p.Pro100Arg). This variant is present in population databases (rs755547520, gnomAD 0.002%). This variant has not been reported in the literature in individuals affected with NFIA-related conditions. An algorithm developed to predict the effect of missense changes on protein structure and function (PolyPhen-2) suggests that this variant is likely to be disruptive. In summary, the available evidence is currently insufficient to determine the role of this variant in disease. Therefore, it has been classified as a Variant of Uncertain Significance.

NM_001134673.4(NFIA):c.299C>G (p.Pro100Arg)

Gene: NFIA (nuclear factor I A; plus strand). Cytogenetic location: 1p31.3.
Variant type: single nucleotide variant.
Coding change: c.299C>G on transcript NM_001134673.4 (MANE Select); coding-DNA position 299, C replaced by G.
Protein change: p.Pro100Arg; replaces proline 100 with arginine.
Molecular consequence: missense variant.
Genome position (GRCh38, 1-based): chr1:61,088,420, C>G. VCF-style: chr1-61088420-C-G. GRCh37 (hg19) VCF-style: chr1-61554092-C-G.
Other names: c.275C>G, p.Pro92Arg (NM_001145511.2); c.434C>G, p.Pro145Arg (NM_001145512.2); c.299C>G, p.Pro100Arg (NM_005595.5); short protein forms P100R, P145R, P92R.
Identifiers: ClinVar variation 4760028 (VCV004760028.1).